The following is an entry in ClinVar:

ClinVar aggregate classification (germline): Likely benign. Review status: criteria provided, multiple submitters, no conflicts (2 of 4 stars). 2 submissions from 2 submitters: Likely benign (2). Last evaluated 2025-08-30.

Conditions:
Inborn genetic diseases. Identifiers: MedGen C0950123, MeSH D030342.

Submissions (2):

Ambry Genetics
Classification: Likely benign for Inborn genetic diseases. Last evaluated: 2025-08-30. Review status: criteria provided, single submitter. Criteria: Ambry Variant Classification Scheme 2023. Collection method: clinical testing. Allele origin: germline.

CeGaT Center for Human Genetics Tuebingen
Classification: Likely benign. Last evaluated: 2023-03-01. Review status: criteria provided, single submitter. Criteria: CeGaT Center For Human Genetics Tuebingen Variant Classification Criteria Version 2. Collection method: clinical testing. Allele origin: germline. Affected: yes. Observed: 1 variant allele.
Comment: PIK3CA: PM2:Supporting, BP4, BP7

NM_006218.4(PIK3CA):c.1221C>T (p.Cys407=)

Gene: PIK3CA (phosphatidylinositol-4,5-bisphosphate 3-kinase catalytic subunit alpha; plus strand). Cytogenetic location: 3q26.32.
Variant type: single nucleotide variant.
Coding change: c.1221C>T on transcript NM_006218.4 (MANE Select); coding-DNA position 1221, C replaced by T.
Protein change: p.Cys407=; no amino-acid change (cysteine 407 retained).
Molecular consequence: synonymous variant.
Genome position (GRCh38, 1-based): chr3:179,209,670, C>T. VCF-style: chr3-179209670-C-T. GRCh37 (hg19) VCF-style: chr3-178927458-C-T.
Identifiers: ClinVar variation 2654286 (VCV002654286.25), dbSNP rs2108399373, ClinGen allele CA437032785.